The following is an entry in ClinVar:

NM_005228.5(EGFR):c.394C>G (p.Leu132Val)

Gene: EGFR (epidermal growth factor receptor; plus strand). Cytogenetic location: 7p11.2.
Variant type: single nucleotide variant.
Coding change: c.394C>G on transcript NM_005228.5 (MANE Select); coding-DNA position 394, C replaced by G.
Protein change: p.Leu132Val; replaces leucine 132 with valine.
Molecular consequence: missense variant. On other transcripts: intron variant (1).
Genome position (GRCh38, 1-based): chr7:55,143,458, C>G. VCF-style: chr7-55143458-C-G. GRCh37 (hg19) VCF-style: chr7-55211151-C-G.
Other names: c.394C>G, p.Leu132Val (NM_001346897.2, NM_001346898.2, NM_001346899.2 and 3 more transcripts); c.235C>G, p.Leu79Val (NM_001346900.2); c.89-12372C>G (NM_001346941.2); short protein forms L79V, L132V.
Identifiers: ClinVar variation 4639605 (VCV004639605.2).

ClinVar aggregate classification (germline): Uncertain significance. Review status: criteria provided, multiple submitters, no conflicts (2 of 4 stars). 2 submissions from 2 submitters: Uncertain significance (2). Last evaluated 2025-11-15.

Conditions:
EGFR-related lung cancer (EGFR). Identifiers: MedGen CN130014.
Hereditary cancer-predisposing syndrome. Also called: Neoplastic Syndromes, Hereditary; Tumor predisposition; Hereditary Cancer Syndrome; Hereditary neoplastic syndrome. Identifiers: Orphanet 140162, MedGen C0027672, MeSH D009386, MONDO:0015356.

gnomAD v4.1: 2 of 1,614,204 alleles (0.00012%); highest among the groups gnomAD compares: Middle Eastern, 0.016%; no homozygotes.

Submissions (2):

Ambry Genetics
Classification: Uncertain significance for Hereditary cancer-predisposing syndrome. Last evaluated: 2025-11-15. Review status: criteria provided, single submitter. Criteria: Ambry Variant Classification Scheme 2023. Collection method: clinical testing. Allele origin: germline.
Comment: The p.L132V variant (also known as c.394C>G), located in coding exon 3 of the EGFR gene, results from a C to G substitution at nucleotide position 394. The leucine at codon 132 is replaced by valine, an amino acid with highly similar properties. This amino acid position is conserved. In addition, this alteration is predicted to be tolerated by in silico analysis. Based on the available evidence, the clinical significance of this variant remains unclear.

Labcorp Genetics (formerly Invitae), Labcorp
Classification: Uncertain significance for EGFR-related lung cancer. Last evaluated: 2025-03-09. Review status: criteria provided, single submitter. Criteria: Invitae Variant Classification Sherloc (09022015). Collection method: clinical testing. Allele origin: germline.
Comment: This sequence change replaces leucine, which is neutral and non-polar, with valine, which is neutral and non-polar, at codon 132 of the EGFR protein (p.Leu132Val). This variant is not present in population databases (gnomAD no frequency). This variant has not been reported in the literature in individuals affected with EGFR-related conditions. Invitae Evidence Modeling of protein sequence and biophysical properties (such as structural, functional, and spatial information, amino acid conservation, physicochemical variation, residue mobility, and thermodynamic stability) indicates that this missense variant is not expected to disrupt EGFR protein function with a negative predictive value of 80%. In summary, the available evidence is currently insufficient to determine the role of this variant in disease. Therefore, it has been classified as a Variant of Uncertain Significance.